The following is an entry in ClinVar:

NM_014727.3(KMT2B):c.3528+19C>T

Gene: KMT2B (lysine methyltransferase 2B; plus strand). Cytogenetic location: 19q13.12.
Variant type: single nucleotide variant.
Coding change: c.3528+19C>T on transcript NM_014727.3 (MANE Select); 19 bases into the intron after coding-DNA position 3528, C replaced by T.
Molecular consequence: intron variant.
Genome position (GRCh38, 1-based): chr19:35,725,106, C>T. VCF-style: chr19-35725106-C-T. GRCh37 (hg19) VCF-style: chr19-36216007-C-T.
Identifiers: ClinVar variation 2958680 (VCV002958680.3), dbSNP rs370294360, ClinGen allele CA9384780.
Genomic context (GRCh38, chr19:35,725,106, plus strand): 5'-AAGTCTCCCGATGGTGTGCACCGCGTCCGTGTGGATTTTAAGGTATGGCATTGAGTGGGG[C>T]GAGTCACAGAGCCTCTGGTTGGAAGAACCTCGATGACTGTGTCATCGAGAAGCCAGGTGG-3'

ClinVar aggregate classification (germline): Uncertain significance (1 of 4 stars; one submission).

Allele frequency attached by ClinVar (database versions not stated): gnomAD exomes 0.00001; TOPMed 0.00001; ExAC 0.00002; gnomAD 0.00002; ESP Exome Variant Server 0.00008.
gnomAD v4.1: 13 of 1,596,084 alleles (0.00081%); highest among the groups gnomAD compares: African/African-American, 0.0067%; no homozygotes.

Submission:

Labcorp Genetics (formerly Invitae), Labcorp
Classification: Uncertain significance. Last evaluated: 2023-03-19. Review status: criteria provided, single submitter. Criteria: Invitae Variant Classification Sherloc (09022015). Collection method: clinical testing. Allele origin: germline.
Comment: In summary, the available evidence is currently insufficient to determine the role of this variant in disease. Therefore, it has been classified as a Variant of Uncertain Significance. Algorithms developed to predict the effect of sequence changes on RNA splicing suggest that this variant may disrupt the consensus splice site. This variant has not been reported in the literature in individuals affected with KMT2B-related conditions. This variant is present in population databases (rs370294360, gnomAD 0.007%). This sequence change falls in intron 10 of the KMT2B gene. It does not directly change the encoded amino acid sequence of the KMT2B protein.